The following is an entry in ClinVar:

ClinVar aggregate classification (germline): Uncertain significance (1 of 4 stars; one submission).

Conditions:
Distal myopathy with posterior leg and anterior hand involvement. Also called: WILLIAMS DISTAL MYOPATHY. Identifiers: Orphanet 63273, MedGen C3279722, MONDO:0013550, OMIM 614065.
Hypertrophic cardiomyopathy 26. Also called: Cardiomyopathy, familial hypertrophic, 26. Identifiers: Orphanet 75249, MedGen C4310749, MONDO:0014883, OMIM 617047.
Myofibrillar myopathy 5. Also called: Filaminopathy (type); FILAMINOPATHY, AUTOSOMAL DOMINANT. Identifiers: Orphanet 171445, MedGen C1836050, MONDO:0012289, OMIM 609524.

Submission:

Labcorp Genetics (formerly Invitae), Labcorp
Classification: Uncertain significance for Distal myopathy with posterior leg and anterior hand involvement; Myofibrillar myopathy 5; Hypertrophic cardiomyopathy 26. Last evaluated: 2024-05-01. Review status: criteria provided, single submitter. Criteria: Invitae Variant Classification Sherloc (09022015). Collection method: clinical testing. Allele origin: germline.
Comment: This sequence change replaces glycine, which is neutral and non-polar, with serine, which is neutral and polar, at codon 1868 of the FLNC protein (p.Gly1868Ser). This variant is not present in population databases (gnomAD no frequency). This variant has not been reported in the literature in individuals affected with FLNC-related conditions. Advanced modeling of protein sequence and biophysical properties (such as structural, functional, and spatial information, amino acid conservation, physicochemical variation, residue mobility, and thermodynamic stability) has been performed at Invitae for this missense variant, however the output from this modeling did not meet the statistical confidence thresholds required to predict the impact of this variant on FLNC protein function. In summary, the available evidence is currently insufficient to determine the role of this variant in disease. Therefore, it has been classified as a Variant of Uncertain Significance.

NM_001458.5(FLNC):c.5602G>A (p.Gly1868Ser)

Genes: FLNC (filamin C; plus strand), FLNC-AS1 (FLNC antisense RNA 1; minus strand). Cytogenetic location: 7q32.1.
Variant type: single nucleotide variant.
Coding change: c.5602G>A on transcript NM_001458.5 (MANE Select); coding-DNA position 5602, G replaced by A.
Protein change: p.Gly1868Ser; replaces glycine 1868 with serine.
Molecular consequence: missense variant.
Genome position (GRCh38, 1-based): chr7:128,851,294, G>A. VCF-style: chr7-128851294-G-A. GRCh37 (hg19) VCF-style: chr7-128491348-G-A.
Other names: c.5503G>A, p.Gly1835Ser (NM_001127487.2); short protein forms G1835S, G1868S.
Identifiers: ClinVar variation 3756154 (VCV003756154.2).